The following is an entry in ClinVar:

NM_001375567.1(FOCAD):c.5249C>A (p.Thr1750Asn)

Gene: FOCAD (focadhesin; plus strand). Cytogenetic location: 9p21.3.
Variant type: single nucleotide variant.
Coding change: c.5249C>A on transcript NM_001375567.1 (MANE Select); coding-DNA position 5249, C replaced by A.
Protein change: p.Thr1750Asn; replaces threonine 1750 with asparagine.
Molecular consequence: missense variant.
Genome position (GRCh38, 1-based): chr9:20,990,367, C>A. VCF-style: chr9-20990367-C-A. GRCh37 (hg19) VCF-style: chr9-20990366-C-A.
Other names: c.5144C>A, p.Thr1715Asn (NM_001375568.1, NM_001375570.1); c.5249C>A, p.Thr1750Asn (NM_017794.5); short protein forms T1715N, T1750N.
Identifiers: ClinVar variation 2659125 (VCV002659125.24), dbSNP rs2489050205, ClinGen allele CA373056942.

ClinVar aggregate classification (germline): Uncertain significance (1 of 4 stars; one submission).

Submission:

CeGaT Center for Human Genetics Tuebingen
Classification: Uncertain significance. Last evaluated: 2023-10-01. Review status: criteria provided, single submitter. Criteria: CeGaT Center For Human Genetics Tuebingen Variant Classification Criteria Version 2. Collection method: clinical testing. Allele origin: germline. Affected: yes. Observed: 1 variant allele.
Comment: FOCAD: PM2